The following is an entry in ClinVar:

ClinVar aggregate classification (germline): Uncertain significance. Review status: criteria provided, multiple submitters, no conflicts (2 of 4 stars). 3 submissions from 3 submitters: Uncertain significance (3). Last evaluated 2026-01-23.

Conditions:
Inborn genetic diseases. Identifiers: MedGen C0950123, MeSH D030342.
Mitochondrial DNA depletion syndrome, encephalomyopathic form with methylmalonic aciduria (MTDPS5). Also called: MITOCHONDRIAL DNA DEPLETION SYNDROME, ENCEPHALOMYOPATHIC FORM, WITH OR WITHOUT METHYLMALONIC ACIDURIA, AUTOSOMAL RECESSIVE, SUCLA2-RELATED; Mitochondrial DNA depletion syndrome 5 (encephalomyopathic with or without methylmalonic aciduria); SUCLA2-Related Mitochondrial DNA Depletion Syndrome, Encephalomyopathic Form with Methylmalonic Aciduria; Mitochondrial encephalomyopathy aminoacidopathy. Identifiers: Orphanet 1933, MedGen C5980207, MONDO:0012791, OMIM 612073.

Allele frequency attached by ClinVar (database versions not stated): gnomAD 0.00001; TOPMed 0.00002.
gnomAD v4.1: 1 of 1,613,724 alleles (0.000062%); highest among the groups gnomAD compares: Admixed American, 0.0017%; no homozygotes.

Submissions (3):

GeneDx
Classification: Uncertain significance. Last evaluated: 2026-01-23. Review status: criteria provided, single submitter. Criteria: GeneDx Variant Classification Process June 2021. Collection method: clinical testing. Allele origin: germline. Affected: yes.
Comment: Not observed at significant frequency in large population cohorts (gnomAD); In silico analysis supports that this missense variant has a deleterious effect on protein structure/function; Has not been previously published as pathogenic or benign to our knowledge

Labcorp Genetics (formerly Invitae), Labcorp
Classification: Uncertain significance for Mitochondrial DNA depletion syndrome, encephalomyopathic form with methylmalonic aciduria. Last evaluated: 2026-01-08. Review status: criteria provided, single submitter. Criteria: Invitae Variant Classification Sherloc (09022015). Collection method: clinical testing. Allele origin: germline.
Comment: This sequence change replaces alanine, which is neutral and non-polar, with proline, which is neutral and non-polar, at codon 330 of the SUCLA2 protein (p.Ala330Pro). This variant is not present in population databases (gnomAD no frequency). This variant has not been reported in the literature in individuals affected with SUCLA2-related conditions. ClinVar contains an entry for this variant (Variation ID: 1211319). Invitae Evidence Modeling of protein sequence and biophysical properties (such as structural, functional, and spatial information, amino acid conservation, physicochemical variation, residue mobility, and thermodynamic stability) indicates that this missense variant is expected to disrupt SUCLA2 protein function with a positive predictive value of 80%. In summary, the available evidence is currently insufficient to determine the role of this variant in disease. Therefore, it has been classified as a Variant of Uncertain Significance.

Ambry Genetics
Classification: Uncertain significance for Inborn genetic diseases. Last evaluated: 2024-11-08. Review status: criteria provided, single submitter. Criteria: Ambry Variant Classification Scheme 2023. Collection method: clinical testing. Allele origin: germline.

NM_003850.3(SUCLA2):c.988G>C (p.Ala330Pro)

Gene: SUCLA2 (succinate-CoA ligase ADP-forming subunit beta; minus strand). Cytogenetic location: 13q14.2.
Variant type: single nucleotide variant.
Coding change: c.988G>C on transcript NM_003850.3 (MANE Select); coding-DNA position 988, G replaced by C.
Protein change: p.Ala330Pro; replaces alanine 330 with proline.
Molecular consequence: missense variant.
Genome position (GRCh38, 1-based): chr13:47,954,259, C>G on the plus strand (G>C on the coding strand, the complement: SUCLA2 is on the minus strand). VCF-style: chr13-47954259-C-G. GRCh37 (hg19) VCF-style: chr13-48528394-C-G.
Other names: short protein forms A330P.
Identifiers: ClinVar variation 1211319 (VCV001211319.7), dbSNP rs1949800529, ClinGen allele CA388145406.